The following is an entry in ClinVar:

ClinVar aggregate classification (germline): Benign/Likely benign. Review status: criteria provided, multiple submitters, no conflicts (2 of 4 stars). 3 submissions from 3 submitters: Benign (1); Likely benign (2). Last evaluated 2025-04-10.

Conditions:
Tuberous sclerosis 1 (TSC1). Identifiers: Orphanet 805, MedGen C1854465, MONDO:0008612, OMIM 191100.
Hereditary cancer-predisposing syndrome. Also called: Tumor predisposition; Neoplastic Syndromes, Hereditary; Hereditary Cancer Syndrome; Hereditary neoplastic syndrome. Identifiers: Orphanet 140162, MedGen C0027672, MeSH D009386, MONDO:0015356.

gnomAD v4.1: 1 of 1,614,164 alleles (0.000062%); no homozygotes.

Submissions (3):

Myriad Genetics, Inc.
Classification: Benign for Tuberous sclerosis 1. Last evaluated: 2025-04-10. Review status: criteria provided, single submitter. Criteria: Myriad Autosomal Dominant, Autosomal Recessive and X-Linked Classification Criteria (2023). Collection method: clinical testing. Allele origin: unknown.
Comment: This variant is considered benign. This variant is a silent/synonymous amino acid change and it is not expected to impact splicing.

Labcorp Genetics (formerly Invitae), Labcorp
Classification: Likely benign for Tuberous sclerosis 1. Last evaluated: 2024-05-06. Review status: criteria provided, single submitter. Criteria: Invitae Variant Classification Sherloc (09022015). Collection method: clinical testing. Allele origin: germline.

Ambry Genetics
Classification: Likely benign for Hereditary cancer-predisposing syndrome. Last evaluated: 2019-12-13. Review status: criteria provided, single submitter. Criteria: Ambry Variant Classification Scheme 2023. Collection method: clinical testing. Allele origin: germline.

NM_000368.5(TSC1):c.1872T>C (p.Thr624=)

Gene: TSC1 (TSC complex subunit 1; minus strand). Cytogenetic location: 9q34.13.
Variant type: single nucleotide variant.
Coding change: c.1872T>C on transcript NM_000368.5 (MANE Select); coding-DNA position 1872, T replaced by C.
Protein change: p.Thr624=; no amino-acid change (threonine 624 retained).
Molecular consequence: synonymous variant.
Genome position (GRCh38, 1-based): chr9:132,905,706, A>G on the plus strand (T>C on the coding strand, the complement: TSC1 is on the minus strand). VCF-style: chr9-132905706-A-G. GRCh37 (hg19) VCF-style: chr9-135781093-A-G.
Other names: c.1869T>C, p.Thr623= (NM_001162426.2); c.1719T>C, p.Thr573= (NM_001162427.2); c.1509T>C, p.Thr503= (NM_001362177.2).
Identifiers: ClinVar variation 1093693 (VCV001093693.12), dbSNP rs2131817057, ClinGen allele CA467813103.